The following is an entry in ClinVar:

NM_001385012.1(NBEA):c.701A>G (p.Asn234Ser)

Gene: NBEA (neurobeachin; plus strand). Cytogenetic location: 13q13.3.
Variant type: single nucleotide variant.
Coding change: c.701A>G on transcript NM_001385012.1 (MANE Select); coding-DNA position 701, A replaced by G.
Protein change: p.Asn234Ser; replaces asparagine 234 with serine.
Molecular consequence: missense variant.
Genome position (GRCh38, 1-based): chr13:35,045,379, A>G. VCF-style: chr13-35045379-A-G. GRCh37 (hg19) VCF-style: chr13-35619516-A-G.
Other names: p.Asn234Ser; c.701A>G, p.Asn234Ser (NM_001379245.1, NM_015678.5); short protein forms N234S.
Identifiers: ClinVar variation 2522951 (VCV002522951.3), dbSNP rs762314080, ClinGen allele CA6946119.

ClinVar aggregate classification (germline): Conflicting classifications of pathogenicity. Review status: criteria provided, conflicting classifications (1 of 4 stars). 2 submissions from 2 submitters: Uncertain significance (1); Likely benign (1). Last evaluated 2025-10-16.

Conditions:
Inborn genetic diseases. Identifiers: MedGen C0950123, MeSH D030342.

Allele frequency attached by ClinVar (database versions not stated): TOPMed 0.00003; ExAC 0.00003; gnomAD exomes 0.00005; gnomAD 0.00001.
gnomAD v4.1: 66 of 1,610,836 alleles (0.0041%); highest among the groups gnomAD compares: South Asian, 0.011%; no homozygotes.

Submissions (2):

Mayo Clinic Laboratories, Mayo Clinic
Classification: Uncertain significance. Last evaluated: 2025-10-16. Review status: criteria provided, single submitter. Criteria: ACMG Guidelines, 2015. Collection method: clinical testing. Allele origin: germline. Observed: 1 variant allele.
Comment: BS1_supporting, BP4_moderate, PP2

Ambry Genetics
Classification: Likely benign for Inborn genetic diseases. Last evaluated: 2023-04-20. Review status: criteria provided, single submitter. Criteria: Ambry Variant Classification Scheme 2023. Collection method: clinical testing. Allele origin: germline.